The following is an entry in ClinVar:

ClinVar aggregate classification (germline): Uncertain significance (1 of 4 stars; one submission).

Allele frequency attached by ClinVar (database versions not stated): gnomAD exomes below 0.00001.
gnomAD v4.1: 7 of 1,613,328 alleles (0.00043%); highest among the groups gnomAD compares: East Asian, 0.0067%; no homozygotes.

Submission:

Labcorp Genetics (formerly Invitae), Labcorp
Classification: Uncertain significance. Last evaluated: 2022-08-20. Review status: criteria provided, single submitter. Criteria: Invitae Variant Classification Sherloc (09022015). Collection method: clinical testing. Allele origin: germline.
Comment: In summary, the available evidence is currently insufficient to determine the role of this variant in disease. Therefore, it has been classified as a Variant of Uncertain Significance. Algorithms developed to predict the effect of missense changes on protein structure and function are either unavailable or do not agree on the potential impact of this missense change (SIFT: "Not Available"; PolyPhen-2: "Benign"; Align-GVGD: "Not Available"). This variant has not been reported in the literature in individuals affected with SERPINF1-related conditions. This variant is not present in population databases (gnomAD no frequency). This sequence change replaces serine, which is neutral and polar, with isoleucine, which is neutral and non-polar, at codon 153 of the SERPINF1 protein (p.Ser153Ile).

NM_002615.7(SERPINF1):c.458G>T (p.Ser153Ile)

Gene: SERPINF1 (serpin family F member 1; plus strand). Cytogenetic location: 17p13.3.
Variant type: single nucleotide variant.
Coding change: c.458G>T on transcript NM_002615.7 (MANE Select); coding-DNA position 458, G replaced by T.
Protein change: p.Ser153Ile; replaces serine 153 with isoleucine.
Molecular consequence: missense variant. On other transcripts: 5 prime UTR variant (2).
Genome position (GRCh38, 1-based): chr17:1,771,890, G>T. VCF-style: chr17-1771890-G-T. GRCh37 (hg19) VCF-style: chr17-1675184-G-T.
Other names: c.458G>T, p.Ser153Ile (NM_001329903.2); c.-104G>T (NM_001329904.2, NM_001329905.2); short protein forms S153I.
Identifiers: ClinVar variation 2197050 (VCV002197050.2), dbSNP rs1444555131, ClinGen allele CA397585829.